The following is an entry in ClinVar:

ClinVar aggregate classification (germline): Uncertain significance (1 of 4 stars; one submission).

Allele frequency attached by ClinVar (database versions not stated): gnomAD 0.00001; gnomAD exomes 0.00002; TOPMed 0.00003.
gnomAD v4.1: 25 of 1,553,634 alleles (0.0016%); highest among the groups gnomAD compares: Admixed American, 0.002%; no homozygotes.

Submission:

Labcorp Genetics (formerly Invitae), Labcorp
Classification: Uncertain significance. Last evaluated: 2026-01-12. Review status: criteria provided, single submitter. Criteria: Invitae Variant Classification Sherloc (09022015). Collection method: clinical testing. Allele origin: germline.
Comment: This sequence change replaces arginine, which is basic and polar, with tryptophan, which is neutral and slightly polar, at codon 284 of the TCIRG1 protein (p.Arg284Trp). The frequency data for this variant in the population databases is considered unreliable, as metrics indicate poor data quality at this position in the gnomAD database. This variant has not been reported in the literature in individuals affected with TCIRG1-related conditions. ClinVar contains an entry for this variant (Variation ID: 2169212). Invitae Evidence Modeling of protein sequence and biophysical properties (such as structural, functional, and spatial information, amino acid conservation, physicochemical variation, residue mobility, and thermodynamic stability) indicates that this missense variant is expected to disrupt TCIRG1 protein function with a positive predictive value of 80%. In summary, the available evidence is currently insufficient to determine the role of this variant in disease. Therefore, it has been classified as a Variant of Uncertain Significance.

NM_006019.4(TCIRG1):c.850C>T (p.Arg284Trp)

Gene: TCIRG1 (T cell immune regulator 1, ATPase H+ transporting V0 subunit a3; plus strand). Cytogenetic location: 11q13.2.
Variant type: single nucleotide variant.
Coding change: c.850C>T on transcript NM_006019.4 (MANE Select); coding-DNA position 850, C replaced by T.
Protein change: p.Arg284Trp; replaces arginine 284 with tryptophan.
Molecular consequence: missense variant. On other transcripts: 5 prime UTR variant (1).
Genome position (GRCh38, 1-based): chr11:68,044,174, C>T. VCF-style: chr11-68044174-C-T. GRCh37 (hg19) VCF-style: chr11-67811641-C-T.
Other names: c.-45C>T (NM_001351059.2); c.202C>T, p.Arg68Trp (NM_006053.4); short protein forms R284W, R68W.
Identifiers: ClinVar variation 2169212 (VCV002169212.2), dbSNP rs1039065279, ClinGen allele CA224204713.
Genomic context (GRCh38, chr11:68,044,174, plus strand): 5'-CTGCCCACTCTGGCGCAGGTCCTCGGGGAGACAGAGCGGTTCCTGAGCCAGGTGCTAGGC[C>T]GGGTGCTGCAGCTGCTGCCGCCAGGGCAGGTGCAGGTCCACAAGATGAAGGCCGTGTACC-3'
Protein context (NP_006010.2, residues 274-294): TERFLSQVLG[Arg284Trp]VLQLLPPGQV